The following is an entry in ClinVar:

NM_000138.5(FBN1):c.4235T>A (p.Leu1412Gln)

Genes: FBN1 (fibrillin 1; minus strand), LOC126862124 (CDK7 strongly-dependent group 2 enhancer GRCh37_chr15:48764566-48765765; plus strand). Cytogenetic location: 15q21.1.
Variant type: single nucleotide variant.
Coding change: c.4235T>A on transcript NM_000138.5 (MANE Select); coding-DNA position 4235, T replaced by A.
Protein change: p.Leu1412Gln; replaces leucine 1412 with glutamine.
Molecular consequence: missense variant.
Genome position (GRCh38, 1-based): chr15:48,472,652, A>T on the plus strand (T>A on the coding strand, the complement: FBN1 is on the minus strand). VCF-style: chr15-48472652-A-T. GRCh37 (hg19) VCF-style: chr15-48764849-A-T.
Other names: c.4235T>A, p.Leu1412Gln (NM_001406716.1); short protein forms L1412Q.
Identifiers: ClinVar variation 3070032 (VCV003070032.1), dbSNP rs1394943800, ClinGen allele CA392318042.

ClinVar aggregate classification (germline): Uncertain significance (1 of 4 stars; one submission).

Conditions:
Marfan syndrome (MFS). Also called: MARFAN SYNDROME, TYPE I; Marfan syndrome type 1; Marfan's syndrome; Marfan syndrome, classic; FBN1-Related Marfan Syndrome. Identifiers: Orphanet 284963, Orphanet 558, MedGen C0024796, MONDO:0007947, OMIM 154700.

Submission:

All of Us Research Program, National Institutes of Health
Classification: Uncertain significance for Marfan syndrome. Last evaluated: 2023-04-27. Review status: criteria provided, single submitter. Criteria: ACMG Guidelines, 2015. Collection method: clinical testing. Allele origin: germline. Inheritance: Autosomal dominant inheritance. Observed: 1 variant allele, 1 heterozygote.
Comment: This study involves interpretation of variants in research participants for the purpose of population health screening. Participant phenotype was not available at the time of variant classification. Additional details can be found in publication PMID: 35346344, PMCID: PMC8962531